The following is an entry in ClinVar:

NM_003907.3(EIF2B5):c.185A>T (p.Asp62Val)

Gene: EIF2B5 (eukaryotic translation initiation factor 2B subunit epsilon; plus strand). Cytogenetic location: 3q27.1.
Variant type: single nucleotide variant.
Coding change: c.185A>T on transcript NM_003907.3 (MANE Select); coding-DNA position 185, A replaced by T.
Protein change: p.Asp62Val; replaces aspartic acid 62 with valine.
Molecular consequence: missense variant.
Genome position (GRCh38, 1-based): chr3:184,135,570, A>T. VCF-style: chr3-184135570-A-T. GRCh37 (hg19) VCF-style: chr3-183853358-A-T.
Other names: c.185A>T (NM_003907.2); short protein forms D62V.
Identifiers: ClinVar variation 2441991 (VCV002441991.2), dbSNP rs1560105986, ClinGen allele CA355381396.

ClinVar aggregate classification (germline): Conflicting classifications of pathogenicity. Review status: criteria provided, conflicting classifications (1 of 4 stars). 2 submissions from 2 submitters: Likely pathogenic (1); Uncertain significance (1). Last evaluated 2025-11-13.

Conditions:
Vanishing white matter disease. Also called: CACH syndrome; Childhood ataxia with diffuse central nervous system hypomyelination; Leukoencephalopathy with vanishing white matter; CACH/VWM syndrome; Cree leukoencehalopathy. Identifiers: Orphanet 135, Orphanet 99853, MedGen C1858991, MONDO:0800448.

Allele frequency attached by ClinVar (database versions not stated): gnomAD exomes below 0.00001.
gnomAD v4.1: 2 of 1,587,748 alleles (0.00013%); highest among the groups gnomAD compares: East Asian, 0.0023%; no homozygotes.

Submissions (2):

Natera, Inc.
Classification: Likely pathogenic for Leukoencephalopathy with vanishing white matter. Last evaluated: 2025-11-13. Review status: criteria provided, single submitter. Criteria: Natera Variant Classification Schema (03/2026). Collection method: clinical testing. Allele origin: germline.
Comment: The c.185A>T variant in EIF2B5 is a missense variant predicted to cause substitution of aspartic acid to valine at amino acid 62. This variant is rare in the general population with a frequency below the threshold expected for the associated phenotype(s). This variant has been observed in one or more individuals affected with the associated recessive disease, as either homozygous or compound heterozygous with a second variant (PMID: 19158808, 34745209). Computational prediction algorithms indicate this variant is likely to affect gene or protein function. Given the available evidence, this variant is classified as Likely Pathogenic.

Baylor Genetics
Classification: Uncertain significance for Leukoencephalopathy with vanishing white matter 1. Last evaluated: 2021-05-25. Review status: criteria provided, single submitter. Criteria: ACMG Guidelines, 2015. Collection method: clinical testing. Allele origin: unknown.

Literature cited by the submitters: PubMed 19158808 (cited by Natera, Inc.); PubMed 34745209 (cited by Natera, Inc.).